The following is an entry in ClinVar:

ClinVar aggregate classification (germline): Conflicting classifications of pathogenicity. Review status: criteria provided, conflicting classifications (1 of 4 stars). 16 submissions from 16 submitters: Uncertain significance (10); Likely benign (2). 4 of the submissions do not count toward it. Last evaluated 2026-01-04.

Conditions:
BRCA2-related cancer predisposition. Identifiers: MedGen CN377758, MONDO:0700269.
Hereditary cancer-predisposing syndrome. Also called: Neoplastic Syndromes, Hereditary; Tumor predisposition; Hereditary Cancer Syndrome; Hereditary neoplastic syndrome. Identifiers: Orphanet 140162, MedGen C0027672, MeSH D009386, MONDO:0015356.
Hereditary breast ovarian cancer syndrome. Also called: Breast and ovarian cancer; BRCA1- and BRCA2-Associated Hereditary Breast and Ovarian Cancer; Hereditary breast and ovarian cancer syndrome; Hereditary breast and/or ovarian cancer syndrome; Hereditary breast and ovarian cancer syndrome (HBOC); Hereditary breast and ovarian cancer. Identifiers: Orphanet 145, MedGen C0677776, MeSH D061325, MONDO:0003582. Disease mechanism: loss of function.
Breast-ovarian cancer, familial, susceptibility to, 2 (BROVCA2). Also called: BRCA2 Hereditary Breast and Ovarian Cancer. Identifiers: Orphanet 145, MedGen C2675520, MONDO:0012933, OMIM 612555. Disease mechanism: loss of function.
Familial cancer of breast. Also called: Hereditary breast cancer; hereditary breast carcinoma; BREAST CANCER, FAMILIAL. Identifiers: Orphanet 227535, MedGen C0346153, MONDO:0016419, OMIM 114480. Disease mechanism: loss of function.

Allele frequency attached by ClinVar (database versions not stated): gnomAD 0.00001; gnomAD exomes 0.00001 and 0.00003; TOPMed 0.00001; ExAC 0.00004.

Submissions (16):

Labcorp Genetics (formerly Invitae), Labcorp
Classification: Likely benign for Hereditary breast ovarian cancer syndrome. Last evaluated: 2026-01-04. Review status: criteria provided, single submitter. Criteria: Invitae Variant Classification Sherloc (09022015). Collection method: clinical testing. Allele origin: germline.

Helix
Classification: Uncertain significance for Breast-ovarian cancer, familial, susceptibility to, 2. Last evaluated: 2025-11-04. Review status: criteria provided, single submitter. Criteria: ACMG Guidelines, 2015. Collection method: clinical testing. Allele origin: germline. Inheritance: Autosomal dominant inheritance.
Comment: This variant (NM_000059.4:c.34T>G p.Phe12Val) results in the substitution of phenylalanine with valine at codon 12 in the BRCA2 protein. It is present in the gnomAD population database (v4.1) at the highest allele frequency in the African/African American subpopulation among non-founder subpopulations (2/74924 alleles, 0.0027%). This variant has been observed in individual(s) with a personal and/or family history of BRCA2-related conditions (PMID: 29625052, 33471991, 40413188). Functional studies have not found evidence that this variant affects protein function (PMID: 16793542, 24323938). In silico prediction from BayesDel (PMID: 27995669) suggests that this variant may be benign. This variant is present in ClinVar (Accession: VCV000051477.28). In conclusion, the clinical significance of this variant is unclear at this time. Therefore, it is classified as a Variant of Uncertain Significance.

Quest Diagnostics Nichols Institute San Juan Capistrano
Classification: Uncertain significance. Last evaluated: 2025-10-28. Review status: criteria provided, single submitter. Criteria: Quest Diagnostics criteria. Collection method: clinical testing. Allele origin: unknown.
Comment: The BRCA2 c.34T>G (p.Phe12Val) variant has been reported in the published literature in a large-scale breast cancer association study, where the variant was observed in breast cancer cases and in reportedly unaffected individuals (PMID: 33471991 (2021), see also LOVD. Functional studies indicated this variant has no effect on protein function (PMID: 16793542 (2006)). The frequency of this variant in the general population (Genome Aggregation Database) is uninformative in the assessment of its pathogenicity. Analysis of this variant using bioinformatics tools for the prediction of the effect of amino acid changes on protein structure and function yielded conflicting predictions that this variant is benign or damaging. Based on the available information, we are unable to determine the clinical significance of this variant.

Mayo Clinic Laboratories, Mayo Clinic
Classification: Uncertain significance. Last evaluated: 2025-06-01. Review status: criteria provided, single submitter. Criteria: ACMG Guidelines, 2015. Collection method: clinical testing. Allele origin: germline. Observed: 1 variant allele.
Comment: BS3

ARUP Laboratories, Molecular Genetics and Genomics, ARUP Laboratories
Classification: Likely benign. Last evaluated: 2025-05-06. Review status: criteria provided, single submitter. Criteria: ARUP Molecular Germline Variant Investigation Process 2024. Collection method: clinical testing. Allele origin: germline.

All of Us Research Program, National Institutes of Health
Classification: Uncertain significance for BRCA2-related cancer predisposition. Last evaluated: 2024-09-23. Review status: criteria provided, single submitter. Criteria: ACMG Guidelines, 2015. Collection method: clinical testing. Allele origin: germline. Inheritance: Autosomal dominant inheritance. Observed: 2 variant alleles, 2 heterozygotes.
Comment: This missense variant replaces phenylalanine with valine at codon 12 of the BRCA2 protein. Computational prediction suggests that this variant may not impact protein structure and function (internally defined REVEL score threshold <= 0.5, PMID: 27666373). Functional studies have shown that this variant has no impact on homology-directed DNA repair function (PMID: 16793542). In a large breast cancer case-control study conducted by the BRIDGES consortium, this variant was reported in 6/60466 cases, 1/53461 controls; p-value=0.13; Leiden Open Variation Database DB-ID BRCA2_007668 (PMID: 33471991). This variant has been identified in 7/251372 chromosomes in the general population by the Genome Aggregation Database (gnomAD). The available evidence is insufficient to determine the role of this variant in disease conclusively. Therefore, this variant is classified as a Variant of Uncertain Significance.

This study involves interpretation of variants in research participants for the purpose of population health screening. Participant phenotype was not available at the time of variant classification. Additional details can be found in publication PMID: 35346344, PMCID: PMC8962531

Baylor Genetics
Classification: Uncertain significance for Familial cancer of breast. Last evaluated: 2024-03-29. Review status: criteria provided, single submitter. Criteria: ACMG Guidelines, 2015. Collection method: clinical testing. Allele origin: unknown.

Ambry Genetics
Classification: Uncertain significance for Hereditary cancer-predisposing syndrome. Last evaluated: 2024-02-16. Review status: criteria provided, single submitter. Criteria: Ambry Variant Classification Scheme 2023. Collection method: clinical testing. Allele origin: germline.
Comment: The p.F12V variant (also known as c.34T>G), located in coding exon 1 of the BRCA2 gene, results from a T to G substitution at nucleotide position 34. The phenylalanine at codon 12 is replaced by valine, an amino acid with highly similar properties. A functional assay demonstrated that this variant falls within the PALB2 binding motif and retained normal PALB2 binding activity (Xia et al. Mol Cell. 2006 Jun 23;22(6):719-29). In addition, a homology directed repair assay demonstrated that homology directed repair activity for this alteration is similar to wildtype (Guidugli L et al. Hum. Mutat., 2014 Feb;35:151-64). This amino acid position is well conserved in available vertebrate species. In addition, this alteration is predicted to be tolerated by in silico analysis. Based on the available evidence, the clinical significance of this alteration remains unclear.

GeneDx
Classification: Uncertain significance. Last evaluated: 2023-02-09. Review status: criteria provided, single submitter. Criteria: GeneDx Variant Classification Process June 2021. Collection method: clinical testing. Allele origin: germline. Affected: yes.
Comment: Published functional studies demonstrate DNA double-strand break repair ability, PALB2 binding, and cellular localization similar to wild type (Xia et al., 2006); In silico analysis supports that this missense variant does not alter protein structure/function; Observed in an individual with endometrial cancer (Huang et al., 2018); Also known as 262T>G; This variant is associated with the following publications: (PMID: 24323938, 31131967, 16793542, 29625052)

Women's Health and Genetics/Laboratory Corporation of America, LabCorp
Classification: Uncertain significance. Last evaluated: 2022-10-03. Review status: criteria provided, single submitter. Criteria: LabCorp Variant Classification Summary - May 2015. Collection method: clinical testing. Allele origin: germline.
Comment: Variant summary: BRCA2 c.34T>G (p.Phe12Val) results in a non-conservative amino acid change in the encoded protein sequence. Two of four in-silico tools predict a benign effect of the variant on protein function. The variant allele was found at a frequency of 2.8e-05 in 251372 control chromosomes. The available data on variant occurrences in the general population are insufficient to allow any conclusion about variant significance. c.34T>G has been reported in the literature in an individual affected with Uterine Corpus Endometrial Carcinoma (Huang_2018) without evidence of causality. This report does not provide unequivocal conclusions about association of the variant with Hereditary Breast And Ovarian Cancer Syndrome. One publication reports experimental evidence evaluating an impact on protein function (Xia_2006), showing no damaging effect of this variant. Six clinical diagnostic laboratories have submitted clinical-significance assessments for this variant to ClinVar after 2014 without evidence for independent evaluation. Based on the evidence outlined above, the variant was classified as uncertain significance.

Color Diagnostics, LLC DBA Color Health
Classification: Uncertain significance for Hereditary cancer-predisposing syndrome. Last evaluated: 2022-07-25. Review status: criteria provided, single submitter. Criteria: ACMG Guidelines, 2015. Collection method: clinical testing. Allele origin: germline.
Comment: This missense variant replaces phenylalanine with valine at codon 12 of the BRCA2 protein. Computational prediction suggests that this variant may not impact protein structure and function (internally defined REVEL score threshold <= 0.5, PMID: 27666373). Functional studies have shown that this variant has no impact on homology-directed DNA repair function (PMID: 16793542). In a large breast cancer case-control study conducted by the BRIDGES consortium, this variant was reported in 6/60466 cases, 1/53461 controls; p-value=0.13; Leiden Open Variation Database DB-ID BRCA2_007668 (PMID: 33471991). This variant has been identified in 7/251372 chromosomes in the general population by the Genome Aggregation Database (gnomAD). The available evidence is insufficient to determine the role of this variant in disease conclusively. Therefore, this variant is classified as a Variant of Uncertain Significance.

Blueprint Genetics
Classification: Uncertain significance. Last evaluated: 2021-07-26. Review status: criteria provided, single submitter. Criteria: ACMG Guidelines, 2015. Collection method: clinical testing. Allele origin: germline.

BRCAlab, Lund University
Classification: Uncertain significance for Breast-ovarian cancer, familial, susceptibility to, 2. Last evaluated: 2020-03-02. Review status: no assertion criteria provided. Collection method: clinical testing. Allele origin: germline. Affected: yes. Not counted in ClinVar's aggregate classification.

Counsyl
Classification: Uncertain significance for Breast-ovarian cancer, familial, susceptibility to, 2. Last evaluated: 2017-05-01. Review status: no assertion criteria provided. Collection method: clinical testing. Allele origin: unknown. Not counted in ClinVar's aggregate classification.

Sharing Clinical Reports Project (SCRP)
Classification: Uncertain significance for Breast-ovarian cancer, familial 2. Last evaluated: 2012-05-21. Review status: no assertion criteria provided. Collection method: clinical testing. Allele origin: germline. Not counted in ClinVar's aggregate classification.

Breast Cancer Information Core (BIC) (BRCA2)
Classification: Uncertain significance for Breast-ovarian cancer, familial 2. Last evaluated: 2001-01-17. Review status: no assertion criteria provided. Collection method: clinical testing. Allele origin: germline. Affected: yes. Observed: 1 variant allele. Not counted in ClinVar's aggregate classification.

Literature cited by the submitters: PubMed 33471991 (cited by 3 submitters); PubMed 24323938 (cited by 3 submitters); PubMed 16793542 (cited by 6 submitters); PubMed 29625052 (cited by Women's Health and Genetics/Laboratory Corporation of America, LabCorp).

NM_000059.4(BRCA2):c.34T>G (p.Phe12Val)

Gene: BRCA2 (BRCA2 DNA repair associated; plus strand). Cytogenetic location: 13q13.1.
Variant type: single nucleotide variant.
Coding change: c.34T>G on transcript NM_000059.4 (MANE Select); coding-DNA position 34, T replaced by G.
Protein change: p.Phe12Val; replaces phenylalanine 12 with valine.
Molecular consequence: missense variant.
Genome position (GRCh38, 1-based): chr13:32,316,494, T>G. VCF-style: chr13-32316494-T-G. GRCh37 (hg19) VCF-style: chr13-32890631-T-G.
Other names: p.Phe12Val; 262T>G; short protein forms F12V.
Identifiers: ClinVar variation 51477 (VCV000051477.33), dbSNP rs80358597, ClinGen allele CA018197.